The following is an entry in ClinVar:

ClinVar aggregate classification (germline): Pathogenic/Likely pathogenic. Review status: criteria provided, multiple submitters, no conflicts (2 of 4 stars). 2 submissions from 2 submitters: Pathogenic (1); Likely pathogenic (1). Last evaluated 2023-05-02.

Conditions:
Muscular dystrophy-dystroglycanopathy (congenital with brain and eye anomalies), type A1 (MDDGA1). Also called: WALKER-WARBURG SYNDROME OR MUSCLE-EYE-BRAIN DISEASE, POMT1-RELATED; Hydrocephalus, agyria and retinal dysplasia; Hard +/- E syndrome; Warburg syndrome; Chemke syndrome; Pagon syndrome. Identifiers: Orphanet 588, Orphanet 899, MedGen C4284790, MONDO:0009364, OMIM 236670.
Walker-Warburg congenital muscular dystrophy. Also called: Muscular dystrophy-dystroglycanopathy, type A; Walker-Warburg syndrome. Identifiers: Orphanet 899, MedGen C0265221, MONDO:0000171.
Autosomal recessive limb-girdle muscular dystrophy type 2K. Also called: MUSCULAR DYSTROPHY, LIMB-GIRDLE, TYPE 2K; MUSCULAR DYSTROPHY-DYSTROGLYCANOPATHY (LIMB-GIRDLE), TYPE C, 1. Identifiers: Orphanet 86812, MedGen C1836373, MONDO:0012248, OMIM 609308.
Muscular dystrophy-dystroglycanopathy (congenital with impaired intellectual development), type B, 1. Also called: MUSCULAR DYSTROPHY, CONGENITAL, POMT1-RELATED; Muscular dystrophy-dystroglycanopathy (congenital with intellectual disability), type B1. Identifiers: MedGen C5436962, MONDO:0013159, OMIM 613155.

Allele frequency attached by ClinVar (database versions not stated): ExAC 0.00001; gnomAD exomes below 0.00001 and 0.00001; gnomAD 0.00001.
gnomAD v4.1: 13 of 1,614,080 alleles (0.00081%); highest among the groups gnomAD compares: Admixed American, 0.0017%; no homozygotes.

Submissions (2):

Labcorp Genetics (formerly Invitae), Labcorp
Classification: Pathogenic for Muscular dystrophy-dystroglycanopathy (congenital with impaired intellectual development), type B, 1; Walker-Warburg congenital muscular dystrophy; Autosomal recessive limb-girdle muscular dystrophy type 2K. Last evaluated: 2023-05-02. Review status: criteria provided, single submitter. Criteria: Invitae Variant Classification Sherloc (09022015). Collection method: clinical testing. Allele origin: germline.
Comment: For these reasons, this variant has been classified as Pathogenic. ClinVar contains an entry for this variant (Variation ID: 1399708). This variant has not been reported in the literature in individuals affected with POMT1-related conditions. This variant is present in population databases (rs759848847, gnomAD 0.0009%). This sequence change creates a premature translational stop signal (p.Arg33*) in the POMT1 gene. It is expected to result in an absent or disrupted protein product. Loss-of-function variants in POMT1 are known to be pathogenic (PMID: 12369018, 15637732, 16575835).

Baylor Genetics
Classification: Likely pathogenic for Muscular dystrophy-dystroglycanopathy (congenital with brain and eye anomalies), type A1. Last evaluated: 2023-03-27. Review status: criteria provided, single submitter. Criteria: ACMG Guidelines, 2015. Collection method: clinical testing. Allele origin: unknown.

Literature cited by the submitters: PubMed 12369018 (cited by Labcorp Genetics (formerly Invitae), Labcorp); PubMed 15637732 (cited by Labcorp Genetics (formerly Invitae), Labcorp); PubMed 16575835 (cited by Labcorp Genetics (formerly Invitae), Labcorp).

NM_001077365.2(POMT1):c.97C>T (p.Arg33Ter)

Gene: POMT1 (protein O-mannosyltransferase 1; plus strand). Cytogenetic location: 9q34.13.
Variant type: single nucleotide variant.
Coding change: c.97C>T on transcript NM_001077365.2 (MANE Select); coding-DNA position 97, C replaced by T.
Protein change: p.Arg33Ter; replaces arginine 33 with a stop codon.
Molecular consequence: nonsense. On other transcripts: 5 prime UTR variant (4), non-coding transcript variant (4), intron variant (9).
Genome position (GRCh38, 1-based): chr9:131,504,315, C>T. VCF-style: chr9-131504315-C-T. GRCh37 (hg19) VCF-style: chr9-134379702-C-T.
Other names: c.97C>T, p.Arg33Ter (NM_001136113.2, NM_001353193.2, NM_001353196.2 and 2 more transcripts); c.-148C>T (NM_001353195.2); c.-375C>T (NM_001353198.2); c.-97C>T (NM_001374692.1); c.-55C>T (NM_001374695.1); c.-41+1002C>T (NM_001353194.2); c.-72+1002C>T (NM_001374691.1); c.-41+1242C>T (NM_001374689.1, NM_001353197.2, NM_001077366.2 and 1 more transcripts); and 2 more; short protein forms R33*.
Identifiers: ClinVar variation 1399708 (VCV001399708.7), dbSNP rs759848847, ClinGen allele CA5293142.